The following is an entry in ClinVar:

ClinVar aggregate classification (germline): Uncertain significance (1 of 4 stars; one submission).

Conditions:
Agammaglobulinemia 2, autosomal recessive (AGM2). Also called: AGAMMAGLOBULINEMIA, AUTOSOMAL RECESSIVE, DUE TO IGLL1 DEFECT. Identifiers: MedGen C3150750, MONDO:0013287, OMIM 613500.

Allele frequency attached by ClinVar (database versions not stated): gnomAD exomes 0.00001 and 0.00002; ExAC 0.00002; gnomAD 0.00002; TOPMed 0.00002.
gnomAD v4.1: 23 of 1,613,436 alleles (0.0014%); highest among the groups gnomAD compares: East Asian, 0.0022%; no homozygotes.

Submission:

Labcorp Genetics (formerly Invitae), Labcorp
Classification: Uncertain significance for Agammaglobulinemia 2, autosomal recessive. Last evaluated: 2025-06-05. Review status: criteria provided, single submitter. Criteria: Invitae Variant Classification Sherloc (09022015). Collection method: clinical testing. Allele origin: germline.
Comment: This sequence change replaces glycine, which is neutral and non-polar, with arginine, which is basic and polar, at codon 101 of the IGLL1 protein (p.Gly101Arg). This variant is present in population databases (rs775909535, gnomAD 0.005%). This variant has not been reported in the literature in individuals affected with IGLL1-related conditions. ClinVar contains an entry for this variant (Variation ID: 644739). An algorithm developed to predict the effect of missense changes on protein structure and function (PolyPhen-2) suggests that this variant is likely to be disruptive. In summary, the available evidence is currently insufficient to determine the role of this variant in disease. Therefore, it has been classified as a Variant of Uncertain Significance.

NM_020070.4(IGLL1):c.301G>A (p.Gly101Arg)

Gene: IGLL1 (immunoglobulin lambda like polypeptide 1; minus strand). Cytogenetic location: 22q11.23.
Variant type: single nucleotide variant.
Coding change: c.301G>A on transcript NM_020070.4 (MANE Select); coding-DNA position 301, G replaced by A.
Protein change: p.Gly101Arg; replaces glycine 101 with arginine.
Molecular consequence: missense variant. On other transcripts: intron variant (1).
Genome position (GRCh38, 1-based): chr22:23,574,988, C>T on the plus strand (G>A on the coding strand, the complement: IGLL1 is on the minus strand). VCF-style: chr22-23574988-C-T. GRCh37 (hg19) VCF-style: chr22-23917175-C-T.
Other names: c.304G>A, p.Gly102Arg (NM_001369906.1); c.207-1403G>A (NM_152855.3); short protein forms G101R, G102R.
Identifiers: ClinVar variation 644739 (VCV000644739.8), dbSNP rs775909535, ClinGen allele CA10143342.